The following is an entry in ClinVar:

NM_017617.5(NOTCH1):c.6712C>T (p.Pro2238Ser)

Gene: NOTCH1 (notch receptor 1; minus strand). Cytogenetic location: 9q34.3.
Variant type: single nucleotide variant.
Coding change: c.6712C>T on transcript NM_017617.5 (MANE Select); coding-DNA position 6712, C replaced by T.
Protein change: p.Pro2238Ser; replaces proline 2238 with serine.
Molecular consequence: missense variant.
Genome position (GRCh38, 1-based): chr9:136,497,027, G>A on the plus strand (C>T on the coding strand, the complement: NOTCH1 is on the minus strand). VCF-style: chr9-136497027-G-A. GRCh37 (hg19) VCF-style: chr9-139391479-G-A.
Other names: short protein forms P2238S.
Identifiers: ClinVar variation 2828639 (VCV002828639.3), dbSNP rs2133317475, ClinGen allele CA375630572.

ClinVar aggregate classification (germline): Uncertain significance (1 of 4 stars; one submission).

Conditions:
Adams-Oliver syndrome 5 (AOS5). Identifiers: Orphanet 974, MedGen C4014970, MONDO:0014459, OMIM 616028.

Submission:

Labcorp Genetics (formerly Invitae), Labcorp
Classification: Uncertain significance for Adams-Oliver syndrome 5. Last evaluated: 2024-10-29. Review status: criteria provided, single submitter. Criteria: Invitae Variant Classification Sherloc (09022015). Collection method: clinical testing. Allele origin: germline.
Comment: This sequence change replaces proline, which is neutral and non-polar, with serine, which is neutral and polar, at codon 2238 of the NOTCH1 protein (p.Pro2238Ser). This variant is not present in population databases (gnomAD no frequency). This variant has not been reported in the literature in individuals affected with NOTCH1-related conditions. ClinVar contains an entry for this variant (Variation ID: 2828639). Invitae Evidence Modeling of protein sequence and biophysical properties (such as structural, functional, and spatial information, amino acid conservation, physicochemical variation, residue mobility, and thermodynamic stability) indicates that this missense variant is not expected to disrupt NOTCH1 protein function with a negative predictive value of 95%. In summary, the available evidence is currently insufficient to determine the role of this variant in disease. Therefore, it has been classified as a Variant of Uncertain Significance.